The following is an entry in ClinVar:

NM_001367823.1(ARHGEF18):c.3535C>T (p.Arg1179Cys)

Gene: ARHGEF18 (Rho/Rac guanine nucleotide exchange factor 18; plus strand). Cytogenetic location: 19p13.2.
Variant type: single nucleotide variant.
Coding change: c.3535C>T on transcript NM_001367823.1 (MANE Select); coding-DNA position 3535, C replaced by T.
Protein change: p.Arg1179Cys; replaces arginine 1179 with cysteine.
Molecular consequence: missense variant.
Genome position (GRCh38, 1-based): chr19:7,468,879, C>T. VCF-style: chr19-7468879-C-T. GRCh37 (hg19) VCF-style: chr19-7533765-C-T.
Other names: c.2809C>T, p.Arg937Cys (NM_001130955.2); c.2497C>T, p.Arg833Cys (NM_001367824.1, NM_015318.4); short protein forms R1179C, R833C, R937C.
Identifiers: ClinVar variation 2155694 (VCV002155694.2), dbSNP rs1300817495, ClinGen allele CA403092234.

ClinVar aggregate classification (germline): Uncertain significance. Review status: criteria provided, multiple submitters, no conflicts (2 of 4 stars). 2 submissions from 2 submitters: Uncertain significance (2). Last evaluated 2024-11-25.

Allele frequency attached by ClinVar (database versions not stated): TOPMed 0.00001.
gnomAD v4.1: 10 of 1,575,980 alleles (0.00063%); highest among the groups gnomAD compares: Middle Eastern, 0.051%; no homozygotes.

Submissions (2):

Blueprint Genetics
Classification: Uncertain significance. Last evaluated: 2024-11-25. Review status: criteria provided, single submitter. Criteria: ACMG Guidelines, 2015. Collection method: clinical testing. Allele origin: germline.

Labcorp Genetics (formerly Invitae), Labcorp
Classification: Uncertain significance. Last evaluated: 2022-05-29. Review status: criteria provided, single submitter. Criteria: Invitae Variant Classification Sherloc (09022015). Collection method: clinical testing. Allele origin: germline.
Comment: This sequence change replaces arginine, which is basic and polar, with cysteine, which is neutral and slightly polar, at codon 991 of the ARHGEF18 protein (p.Arg991Cys). This variant is not present in population databases (gnomAD no frequency). This variant has not been reported in the literature in individuals affected with ARHGEF18-related conditions. Algorithms developed to predict the effect of missense changes on protein structure and function (SIFT, PolyPhen-2, Align-GVGD) all suggest that this variant is likely to be disruptive. In summary, the available evidence is currently insufficient to determine the role of this variant in disease. Therefore, it has been classified as a Variant of Uncertain Significance.